The following is an entry in ClinVar:

NC_000011.9:g.(?_119077128)_(119077342_?)del

Gene: CBL (Cbl proto-oncogene; plus strand). Cytogenetic location: 11q23.3.
Variant type: Deletion.
Identifiers: ClinVar variation 2425312 (VCV002425312.4).

ClinVar aggregate classification (germline): Uncertain significance (1 of 4 stars; one submission).

Conditions:
RASopathy. Also called: Noonan spectrum disorder; rasopathies. Identifiers: Orphanet 536391, MedGen C5555857, MONDO:0021060.

Submission:

Labcorp Genetics (formerly Invitae), Labcorp
Classification: Uncertain significance for RASopathy. Last evaluated: 2022-03-01. Review status: criteria provided, single submitter. Criteria: Invitae Variant Classification Sherloc (09022015). Collection method: clinical testing. Allele origin: germline.
Comment: In summary, the available evidence is currently insufficient to determine the role of this variant in disease. Therefore, it has been classified as a Variant of Uncertain Significance. Experimental studies and prediction algorithms are not available or were not evaluated, and the functional significance of this variant is currently unknown. This variant has not been reported in the literature in individuals affected with CBL-related conditions. This variant is a gross deletion of the genomic region encompassing exon(s) 1 of the CBL gene, which includes the initiator codon. This deletion extends beyond the assayed region for this gene and therefore may encompass additional genes. It is expected to result in an absent or disrupted protein product. However, the current clinical and genetic evidence is not sufficient to establish whether loss-of-function variants in CBL cause disease.